The following is an entry in ClinVar:

NM_003315.4(DNAJC7):c.1422C>T (p.Gly474=)

Genes: CNP (2',3'-cyclic nucleotide 3' phosphodiesterase; plus strand), DNAJC7 (DnaJ heat shock protein family (Hsp40) member C7; minus strand). Cytogenetic location: 17q21.2.
Variant type: single nucleotide variant.
Coding change: c.1422C>T on transcript NM_003315.4 (MANE Select); coding-DNA position 1422, C replaced by T.
Protein change: p.Gly474=; no amino-acid change (glycine 474 retained).
Molecular consequence: synonymous variant. On other transcripts: 3 prime UTR variant (2), non-coding transcript variant (1).
Genome position (GRCh38, 1-based): chr17:41,977,286, G>A on the plus strand (C>T on the coding strand, the complement: DNAJC7 is on the minus strand). VCF-style: chr17-41977286-G-A. GRCh37 (hg19) VCF-style: chr17-40129304-G-A.
Other names: c.*3362G>A (NM_001330216.2, NM_033133.5); c.1254C>T, p.Gly418= (NM_001144766.3).
Identifiers: ClinVar variation 4980192 (VCV004980192.1).

ClinVar aggregate classification (germline): Likely benign (1 of 4 stars; one submission).

Conditions:
DNAJC7-related condition.

gnomAD v4.1: 168 of 1,584,244 alleles (0.011%); highest among the groups gnomAD compares: Middle Eastern, 0.099%; no homozygotes.

Submission:

PreventionGenetics, part of Exact Sciences
Classification: Likely benign for DNAJC7-related condition. Last evaluated: 2025-11-05. Review status: criteria provided, single submitter. Criteria: ACMG Guidelines, 2015. Collection method: clinical testing. Allele origin: germline.
Comment: This variant is classified as likely benign based on ACMG/AMP sequence variant interpretation guidelines (Richards et al. 2015 PMID: 25741868, with internal and published modifications).